The following is an entry in ClinVar:

ClinVar aggregate classification (germline): Uncertain significance (1 of 4 stars; one submission).

Conditions:
Inborn genetic diseases. Identifiers: MedGen C0950123, MeSH D030342.

Submission:

Ambry Genetics
Classification: Uncertain significance for Inborn genetic diseases. Last evaluated: 2026-05-12. Review status: criteria provided, single submitter. Criteria: Ambry Variant Classification Scheme 2023. Collection method: clinical testing. Allele origin: germline.
Comment: The c.973A>G (p.N325D) alteration is located in exon 9 (coding exon 9) of the GNAL gene. This alteration results from a A to G substitution at nucleotide position 973, causing the asparagine (N) at amino acid position 325 to be replaced by an aspartic acid (D). Based on data from gnomAD, the G allele has an overall frequency of <0.001% (1/250542) total alleles studied. The highest observed frequency was 0.003% (1/34298) of Latino alleles. Based on insufficient or conflicting evidence, the clinical significance of this alteration remains unclear.

NM_182978.4(GNAL):c.973A>G (p.Asn325Asp)

Gene: GNAL (G protein subunit alpha L; plus strand). Cytogenetic location: 18p11.21.
Variant type: single nucleotide variant.
Coding change: c.973A>G on transcript NM_182978.4 (MANE Select); coding-DNA position 973, A replaced by G.
Protein change: p.Asn325Asp; replaces asparagine 325 with aspartic acid.
Molecular consequence: missense variant.
Genome position (GRCh38, 1-based): chr18:11,868,605, A>G. VCF-style: chr18-11868605-A-G. GRCh37 (hg19) VCF-style: chr18-11868604-A-G.
Other names: c.742A>G, p.Asn248Asp (NM_001142339.3, NM_001261443.2, NM_001369387.1); c.121A>G, p.Asn41Asp (NM_001261444.2); short protein forms N248D, N325D, N41D.
Identifiers: ClinVar variation 4858123 (VCV004858123.1).
Genomic context (GRCh38, chr18:11,868,605, plus strand): 5'-GTCACAGCTATCATTTACGTCGCAGCCTGCAGTAGCTACAACATGGTGATTCGAGAAGAT[A>G]ACAACACCAACAGGCTGAGAGAGTCCCTGGATCTTTTTGAAAGCATCTGGAACAACAGGT-3'
Protein context (NP_892023.1, residues 315-335): SSYNMVIRED[Asn325Asp]NTNRLRESLD